The following is an entry in ClinVar:

NM_001289125.3(IFNAR2):c.28T>G (p.Phe10Val)

Genes: IFNAR2 (interferon alpha and beta receptor subunit 2; plus strand), IFNAR2-IL10RB (IFNAR2-IL10RB readthrough; plus strand). Cytogenetic location: 21q22.11.
Variant type: single nucleotide variant.
Coding change: c.28T>G on transcript NM_001289125.3 (MANE Select); coding-DNA position 28, T replaced by G.
Protein change: p.Phe10Val; replaces phenylalanine 10 with valine.
Molecular consequence: missense variant.
Genome position (GRCh38, 1-based): chr21:33,241,950, T>G. VCF-style: chr21-33241950-T-G. GRCh37 (hg19) VCF-style: chr21-34614255-T-G.
Other names: p.Phe10Val; c.28T>G, p.Phe10Val (NM_000874.5, NM_001289126.2, NM_001289128.2 and 4 more transcripts); c.28T>G (NM_207585.2); short protein forms F10V.
Identifiers: ClinVar variation 1170800 (VCV001170800.42), dbSNP rs1051393, ClinGen allele CA10005496.

ClinVar aggregate classification (germline): Benign/Likely benign. Review status: criteria provided, multiple submitters, no conflicts (2 of 4 stars). 7 submissions from 7 submitters: Benign (5); Likely benign (1). 1 of the submissions does not count toward it. Last evaluated 2026-02-04.

Conditions:
Mortality risk in patients with severe coronavirus disease (COVID-19).
Immunodeficiency 45 (IMD45). Identifiers: MedGen C4225252, MONDO:0014727, OMIM 616669.

Allele frequency attached by ClinVar (database versions not stated): ESP Exome Variant Server 0.27326; TOPMed 0.31073; 1000 Genomes Project 30x 0.38804; 1000 Genomes Project 0.39177.
gnomAD v4.1: 538,331 of 1,606,830 alleles (34%); highest among the groups gnomAD compares: East Asian, 57%; 95,222 homozygotes.

Submissions (7):

Labcorp Genetics (formerly Invitae), Labcorp
Classification: Benign. Last evaluated: 2026-02-04. Review status: criteria provided, single submitter. Criteria: Invitae Variant Classification Sherloc (09022015). Collection method: clinical testing. Allele origin: germline.

Blueprint Genetics
Classification: Likely benign. Last evaluated: 2024-11-28. Review status: criteria provided, single submitter. Criteria: ACMG Guidelines, 2015. Collection method: clinical testing. Allele origin: germline.

Unidad de Genómica Garrahan, Hospital de Pediatría Garrahan
Classification: Benign. Last evaluated: 2024-01-24. Review status: criteria provided, single submitter. Criteria: ACMG Guidelines, 2015. Collection method: clinical testing. Allele origin: germline. Affected: no. Observed: 66 variant alleles.
Comment: This variant is classified as Benign based on local population frequency. This variant was detected in 69% of patients studied by a panel of primary immunodeficiencies. Number of patients: 66. Only high quality variants are reported.

Mayo Clinic Laboratories, Mayo Clinic
Classification: Benign. Last evaluated: 2023-04-13. Review status: criteria provided, single submitter. Criteria: ACMG Guidelines, 2015. Collection method: clinical testing. Allele origin: germline. Observed: 153 variant alleles.
Comment: BA1, BP4

Genome-Nilou Lab
Classification: Benign for Immunodeficiency 45. Last evaluated: 2021-08-10. Review status: criteria provided, single submitter. Criteria: ACMG Guidelines, 2015. Collection method: clinical testing. Allele origin: germline. Affected: no.

Breakthrough Genomics
Classification: Benign. Review status: criteria provided, single submitter. Criteria: ACMG Guidelines, 2015. Collection method: not provided. Allele origin: germline. Inheritance: Autosomal recessive inheritance. Affected: yes.

Pneumogenomics Laboratory, Instituto Nacional de Enfermedades Respiratorias Ismael Cosio Villegas
Classification: association for Mortality risk in patients with severe coronavirus disease (COVID-19). Last evaluated: 2022-05-06. Review status: no assertion criteria provided. Collection method: research. Allele origin: germline. Affected: yes. Not counted in ClinVar's aggregate classification.

Literature cited by the submitters: PubMed 15885318 (cited by Mayo Clinic Laboratories, Mayo Clinic); PubMed 35241825 (cited by Mayo Clinic Laboratories, Mayo Clinic).